The following is an entry in ClinVar:

GRCh37/hg19 17q21.31(chr17:43586396-44212416)x1

Genes: CRHR1 (corticotropin releasing hormone receptor 1), KANSL1 (KAT8 regulatory NSL complex subunit 1), MAPT (microtubule associated protein tau), SPPL2C (signal peptide peptidase like 2C), STH (saitohin). Cytogenetic location: 17q21.31.
Variant type: copy number loss.
Change: copy number 1 (one copy instead of two) of chr17:43,586,396-44,212,416 (626.0 kb, GRCh37 coordinates, 1-based), cytogenetic band 17q21.31.
Identifiers: ClinVar variation 980719 (VCV000980719.3).

ClinVar aggregate classification (germline): Pathogenic (1 of 4 stars; one submission).

Submission:

Quest Diagnostics Nichols Institute San Juan Capistrano
Classification: Pathogenic. Last evaluated: 2024-12-30. Review status: criteria provided, single submitter. Criteria: ACMG/ClinGen CNV Guidelines, 2019. Collection method: clinical testing. Allele origin: unknown.
Comment: This 17q21.31 deletion involves at least six protein-coding genes and fully overlaps the 17q21.3 recurrent region (ISCA-37420). Heterozygous deletions of the 17q21.3 recurrent region are associated with Koolen-de Vries syndrome (KdVS; OMIM 610443) (Amenta 2022, Karamik 2023, Koolen 2023). There are no similar copy number losses of this region in the general populations of the Database of Genomic Variants. Thus, based on current medical literature and gene content, this copy number variant (CNV) is classified as pathogenic. References: Amenta et al., J Med Genet. 2022 Feb;59(2):189-195. PMID: 33361104 Karamik et al., Am J Med Genet A. 2023 Jul;191(7):1814-1825. PMID: 37053206 Koolen et al. GeneReviews [Feb 2 2023]. PMID: 20301783